The following is an entry in ClinVar:

ClinVar aggregate classification (germline): Uncertain significance (1 of 4 stars; one submission).

Conditions:
GNB1L-related disorder. Also called: GNB1L-related condition.

Submission:

PreventionGenetics, part of Exact Sciences
Classification: Uncertain significance for GNB1L-related condition. Last evaluated: 2023-02-15. Review status: criteria provided, single submitter. Criteria: ACMG Guidelines, 2015. Collection method: clinical testing. Allele origin: germline.
Comment: The GNB1L c.226A>T variant is predicted to result in the amino acid substitution p.Thr76Ser. To our knowledge, this variant has not been reported in the literature or in a large population database, indicating this variant is rare. At this time, the clinical significance of this variant is uncertain due to the absence of conclusive functional and genetic evidence.

NM_053004.3(GNB1L):c.226A>T (p.Thr76Ser)

Gene: GNB1L (G protein subunit beta 1 like; minus strand). Cytogenetic location: 22q11.21.
Variant type: single nucleotide variant.
Coding change: c.226A>T on transcript NM_053004.3 (MANE Select); coding-DNA position 226, A replaced by T.
Protein change: p.Thr76Ser; replaces threonine 76 with serine.
Molecular consequence: missense variant.
Genome position (GRCh38, 1-based): chr22:19,820,626, T>A on the plus strand (A>T on the coding strand, the complement: GNB1L is on the minus strand). VCF-style: chr22-19820626-T-A. GRCh37 (hg19) VCF-style: chr22-19808149-T-A.
Other names: short protein forms T76S.
Identifiers: ClinVar variation 2628487 (VCV002628487.1), dbSNP rs2517210532, ClinGen allele CA410680300.